The following is an entry in ClinVar:

ClinVar aggregate classification (germline): Likely benign. Review status: criteria provided, multiple submitters, no conflicts (2 of 4 stars). 4 submissions from 4 submitters: Likely benign (3). 1 of the submissions does not count toward it. Last evaluated 2025-12-01.

Conditions:
HERC1-related disorder. Also called: HERC1-related condition.

Allele frequency attached by ClinVar (database versions not stated): 1000 Genomes Project 30x 0.00109; 1000 Genomes Project 0.00120; gnomAD exomes 0.00173; ExAC 0.00175; gnomAD 0.00183 and 0.00185; TOPMed 0.00204; ESP Exome Variant Server 0.00310.
gnomAD v4.1: 4,902 of 1,613,940 alleles (0.3%); highest among the groups gnomAD compares: Non-Finnish European, 0.39%; 12 homozygotes.

Submissions (4):

CeGaT Center for Human Genetics Tuebingen
Classification: Likely benign. Last evaluated: 2025-12-01. Review status: criteria provided, single submitter. Criteria: CeGaT Center For Human Genetics Tuebingen Variant Classification Criteria Version 2. Collection method: clinical testing. Allele origin: germline. Affected: yes. Observed: 10 variant alleles.
Comment: HERC1: BS2

Labcorp Genetics (formerly Invitae), Labcorp
Classification: Likely benign. Last evaluated: 2025-12-01. Review status: criteria provided, single submitter. Criteria: Invitae Variant Classification Sherloc (09022015). Collection method: clinical testing. Allele origin: germline.

Blueprint Genetics
Classification: Likely benign. Last evaluated: 2024-11-27. Review status: criteria provided, single submitter. Criteria: ACMG Guidelines, 2015. Collection method: clinical testing. Allele origin: germline.

PreventionGenetics, part of Exact Sciences
Classification: Likely benign for HERC1-related condition. Last evaluated: 2019-08-07. Review status: no assertion criteria provided. Collection method: clinical testing. Allele origin: germline. Not counted in ClinVar's aggregate classification.
Comment: This variant is classified as likely benign based on ACMG/AMP sequence variant interpretation guidelines (Richards et al. 2015 PMID: 25741868, with internal and published modifications).

NM_003922.4(HERC1):c.6776G>A (p.Arg2259His)

Gene: HERC1 (HECT and RLD domain containing E3 ubiquitin protein ligase family member 1; minus strand). Cytogenetic location: 15q22.31.
Variant type: single nucleotide variant.
Coding change: c.6776G>A on transcript NM_003922.4 (MANE Select); coding-DNA position 6776, G replaced by A.
Protein change: p.Arg2259His; replaces arginine 2259 with histidine.
Molecular consequence: missense variant.
Genome position (GRCh38, 1-based): chr15:63,678,139, C>T on the plus strand (G>A on the coding strand, the complement: HERC1 is on the minus strand). VCF-style: chr15-63678139-C-T. GRCh37 (hg19) VCF-style: chr15-63970338-C-T.
Other names: short protein forms R2259H.
Identifiers: ClinVar variation 709160 (VCV000709160.36), dbSNP rs112791137, ClinGen allele CA7605279.